The following is an entry in ClinVar:

ClinVar aggregate classification (germline): Likely benign (1 of 4 stars; one submission).

Conditions:
TP63-related disorder. Also called: TP63-related condition; TP63-Related Disorders. Identifiers: MedGen CN380159.

gnomAD v4.1: 1 of 1,614,124 alleles (0.000062%); highest among the groups gnomAD compares: East Asian, 0.0022%; no homozygotes.

Submission:

PreventionGenetics, part of Exact Sciences
Classification: Likely benign for TP63-related condition. Last evaluated: 2024-10-31. Review status: criteria provided, single submitter. Criteria: ACMG Guidelines, 2015. Collection method: clinical testing. Allele origin: germline.
Comment: This variant is classified as likely benign based on ACMG/AMP sequence variant interpretation guidelines (Richards et al. 2015 PMID: 25741868, with internal and published modifications).

NM_003722.5(TP63):c.945G>C (p.Gly315=)

Gene: TP63 (tumor protein p63; plus strand). Cytogenetic location: 3q28.
Variant type: single nucleotide variant.
Coding change: c.945G>C on transcript NM_003722.5 (MANE Select); coding-DNA position 945, G replaced by C.
Protein change: p.Gly315=; no amino-acid change (glycine 315 retained).
Molecular consequence: synonymous variant.
Genome position (GRCh38, 1-based): chr3:189,867,895, G>C. VCF-style: chr3-189867895-G-C. GRCh37 (hg19) VCF-style: chr3-189585684-G-C.
Other names: c.945G>C, p.Gly315= (NM_001114978.2, NM_001114979.2, NM_001329144.2 and 1 more transcripts); c.663G>C, p.Gly221= (NM_001114980.2, NM_001114981.2, NM_001114982.2 and 2 more transcripts); c.408G>C, p.Gly136= (NM_001329146.2, NM_001329150.2); c.939G>C, p.Gly313= (NM_001329964.2).
Identifiers: ClinVar variation 4994030 (VCV004994030.1).